The following is an entry in ClinVar:

ClinVar aggregate classification (germline): Uncertain significance (1 of 4 stars; one submission).

gnomAD v4.1: 28 of 1,597,346 alleles (0.0018%); highest among the groups gnomAD compares: South Asian, 0.0091%; no homozygotes.

Submission:

Ambry Genetics
Classification: Uncertain significance. Last evaluated: 2024-11-14. Review status: criteria provided, single submitter. Criteria: Ambry Variant Classification Scheme 2023. Collection method: clinical testing. Allele origin: germline.
Comment: The c.1352C>T (p.S451L) alteration is located in exon (coding exon ) of the SH3RF3 gene. This alteration results from a C to T substitution at nucleotide position 1352, causing the serine (S) at amino acid position 451 to be replaced by a leucine (L). Based on insufficient or conflicting evidence, the clinical significance of this alteration remains unclear.

NM_001099289.3(SH3RF3):c.1352C>T (p.Ser451Leu)

Genes: RANBP2 (RAN binding protein 2; plus strand), SH3RF3 (SH3 domain containing ring finger 3; plus strand). Cytogenetic location: 2q13.
Variant type: single nucleotide variant.
Coding change: c.1352C>T on transcript NM_001099289.3 (MANE Select); coding-DNA position 1352, C replaced by T.
Protein change: p.Ser451Leu; replaces serine 451 with leucine.
Molecular consequence: missense variant.
Genome position (GRCh38, 1-based): chr2:109,419,591, C>T. VCF-style: chr2-109419591-C-T. GRCh37 (hg19) VCF-style: chr2-110036047-C-T.
Other names: short protein forms S451L.
Identifiers: ClinVar variation 3441128 (VCV003441128.1).
Genomic context (GRCh38, chr2:109,419,591, plus strand): 5'-GTTTCCAGGATGTCTCCTCCTCGGCGGGATCTACCCCCACGGCTGTCCCACGGGCTGCCT[C>T]GGTGTCTGGAGAGCAGGGCACGCCTCCCAAGGTCCAGCTGCCCCTCAACGTGTGAGCTGC-3'
Protein context (NP_001092759.1, residues 441-461): STPTAVPRAA[Ser451Leu]VSGEQGTPPK